The following is an entry in ClinVar:

ClinVar aggregate classification (germline): Uncertain significance (1 of 4 stars; one submission).

Allele frequency attached by ClinVar (database versions not stated): gnomAD exomes 0.00016 and 0.00020; ExAC 0.00019; gnomAD 0.00019 and 0.00021; TOPMed 0.00019; ESP Exome Variant Server 0.00046.
gnomAD v4.1: 318 of 1,613,986 alleles (0.02%); highest among the groups gnomAD compares: Non-Finnish European, 0.026%; no homozygotes.

Submission:

Labcorp Genetics (formerly Invitae), Labcorp
Classification: Uncertain significance. Last evaluated: 2025-08-24. Review status: criteria provided, single submitter. Criteria: Invitae Variant Classification Sherloc (09022015). Collection method: clinical testing. Allele origin: germline.
Comment: This sequence change replaces arginine, which is basic and polar, with tryptophan, which is neutral and slightly polar, at codon 118 of the C9 protein (p.Arg118Trp). This variant is present in population databases (rs147701327, gnomAD 0.03%). This missense change has been observed in individual(s) with macular degeneration (PMID: 27918759). ClinVar contains an entry for this variant (Variation ID: 1040151). Invitae Evidence Modeling of protein sequence and biophysical properties (such as structural, functional, and spatial information, amino acid conservation, physicochemical variation, residue mobility, and thermodynamic stability) indicates that this missense variant is not expected to disrupt C9 protein function with a negative predictive value of 80%. Experimental studies have shown that this missense change affects C9 function (PMID: 29767720). In summary, the available evidence is currently insufficient to determine the role of this variant in disease. Therefore, it has been classified as a Variant of Uncertain Significance.

Literature cited by the submitters: PubMed 27918759; PubMed 29767720.

NM_001737.5(C9):c.352C>T (p.Arg118Trp)

Gene: C9 (complement C9; minus strand). Cytogenetic location: 5p13.1.
Variant type: single nucleotide variant.
Coding change: c.352C>T on transcript NM_001737.5 (MANE Select); coding-DNA position 352, C replaced by T.
Protein change: p.Arg118Trp; replaces arginine 118 with tryptophan.
Molecular consequence: missense variant.
Genome position (GRCh38, 1-based): chr5:39,341,270, G>A on the plus strand (C>T on the coding strand, the complement: C9 is on the minus strand). VCF-style: chr5-39341270-G-A. GRCh37 (hg19) VCF-style: chr5-39341372-G-A.
Other names: short protein forms R118W.
Identifiers: ClinVar variation 1040151 (VCV001040151.5), dbSNP rs147701327, ClinGen allele CA3247043.
Genomic context (GRCh38, chr5:39,341,270, plus strand): 5'-GCTCACTTTCACAATCATCCTCATCTGAAAAGTCTCCGCAGTCATTGTCACCATTACACC[G>A]AAGTCGCATCTTTATGCATCTGCCTGCAATCAAAATCAGGAGAGACTCAATGTATCTAAT-3'
Protein context (NP_001728.1, residues 108-128): STGRCIKMRL[Arg118Trp]CNGDNDCGDF